The following is an entry in ClinVar:

ClinVar aggregate classification (germline): Likely benign. Review status: criteria provided, multiple submitters, no conflicts (2 of 4 stars). 4 submissions from 4 submitters: Likely benign (4). Last evaluated 2025-11-22.

Conditions:
Oto-palato-digital syndrome, type II (OPD2). Also called: OPD II SYNDROME; FACIOPALATOOSSEOUS SYNDROME; Otopalatodigital Syndrome Type 2 (FLNA-OPD2); Otopalatodigital Syndrome, Type II. Identifiers: Orphanet 669, Orphanet 90652, MedGen C1844696, MONDO:0010571, OMIM 304120.
Melnick-Needles syndrome (MNS). Also called: MELNICK-NEEDLES OSTEODYSPLASTY; OSTEODYSPLASTY OF MELNICK AND NEEDLES; Melnick-Needles Syndrome (FLNA-MNS). Identifiers: Orphanet 2484, MedGen C0025237, MONDO:0010650, OMIM 309350.
Frontometaphyseal dysplasia (FMD1). Identifiers: Orphanet 1826, MedGen C0265293, MONDO:0015942.
Heterotopia, periventricular, X-linked dominant (PVNH1). Also called: PERIVENTRICULAR NODULAR HETEROTOPIA 1; PERIVENTRICULAR NODULAR HETEROTOPIA 4; HETEROTOPIA, PERIVENTRICULAR, 1; X-linked periventricular heterotopia. Identifiers: Orphanet 2149, Orphanet 82004, MedGen C1848213, MONDO:0010233, OMIM 300049.
Familial thoracic aortic aneurysm and aortic dissection (TAAD). Also called: Thoracic aortic aneurysms and dissections. Identifiers: Orphanet 91387, MedGen C4707243, MONDO:0019625.

Allele frequency attached by ClinVar (database versions not stated): gnomAD exomes 0.00006; ExAC 0.00007; TOPMed 0.00010; gnomAD 0.00011 and 0.00012; ESP Exome Variant Server 0.00019.
gnomAD v4.1: 263 of 1,208,999 alleles (0.022%); highest among the groups gnomAD compares: Non-Finnish European, 0.028%; no homozygotes.

Submissions (4):

Labcorp Genetics (formerly Invitae), Labcorp
Classification: Likely benign for Oto-palato-digital syndrome, type II; Heterotopia, periventricular, X-linked dominant; Frontometaphyseal dysplasia; Melnick-Needles syndrome. Last evaluated: 2025-11-22. Review status: criteria provided, single submitter. Criteria: Invitae Variant Classification Sherloc (09022015). Collection method: clinical testing. Allele origin: germline.

Blueprint Genetics
Classification: Likely benign. Last evaluated: 2022-03-24. Review status: criteria provided, single submitter. Criteria: ACMG Guidelines, 2015. Collection method: clinical testing. Allele origin: germline.

Ambry Genetics
Classification: Likely benign for Familial thoracic aortic aneurysm and aortic dissection. Last evaluated: 2019-09-30. Review status: criteria provided, single submitter. Criteria: Ambry Variant Classification Scheme 2023. Collection method: clinical testing. Allele origin: germline.

GeneDx
Classification: Likely benign. Last evaluated: 2018-01-31. Review status: criteria provided, single submitter. Criteria: GeneDx Variant Classification (06012015). Collection method: clinical testing. Allele origin: germline. Affected: yes.
Comment: This variant is considered likely benign or benign based on one or more of the following criteria: it is a conservative change, it occurs at a poorly conserved position in the protein, it is predicted to be benign by multiple in silico algorithms, and/or has population frequency not consistent with disease.

NM_001110556.2(FLNA):c.3939C>T (p.Gly1313=)

Gene: FLNA (filamin A; minus strand). Cytogenetic location: Xq28.
Variant type: single nucleotide variant.
Coding change: c.3939C>T on transcript NM_001110556.2 (MANE Select); coding-DNA position 3939, C replaced by T.
Protein change: p.Gly1313=; no amino-acid change (glycine 1313 retained).
Molecular consequence: synonymous variant.
Genome position (GRCh38, 1-based): chrX:154,359,772, G>A on the plus strand (C>T on the coding strand, the complement: FLNA is on the minus strand). VCF-style: chrX-154359772-G-A. GRCh37 (hg19) VCF-style: chrX-153588140-G-A.
Other names: c.3939C>T, p.Gly1313= (NM_001456.4).
Identifiers: ClinVar variation 413406 (VCV000413406.15), dbSNP rs374178910, ClinGen allele CA10560633.